The following is an entry in ClinVar:

ClinVar aggregate classification (germline): Uncertain significance (1 of 4 stars; one submission).

Conditions:
Exostoses, multiple, type 2 (EXT2). Also called: Hereditary Multiple Osteochondromatosis, Type II; EXOSTOSES, MULTIPLE, TYPE II. Identifiers: Orphanet 321, MedGen C1851413, MONDO:0007586, OMIM 133701.

Submission:

Labcorp Genetics (formerly Invitae), Labcorp
Classification: Uncertain significance for Exostoses, multiple, type 2. Last evaluated: 2021-12-25. Review status: criteria provided, single submitter. Criteria: Invitae Variant Classification Sherloc (09022015). Collection method: clinical testing. Allele origin: germline.
Comment: This sequence change replaces valine, which is neutral and non-polar, with glycine, which is neutral and non-polar, at codon 232 of the EXT2 protein (p.Val232Gly). This variant is not present in population databases (gnomAD no frequency). This variant has not been reported in the literature in individuals affected with EXT2-related conditions. Algorithms developed to predict the effect of missense changes on protein structure and function are either unavailable or do not agree on the potential impact of this missense change (SIFT: "Deleterious"; PolyPhen-2: "Probably Damaging"; Align-GVGD: "Class C0"). In summary, the available evidence is currently insufficient to determine the role of this variant in disease. Therefore, it has been classified as a Variant of Uncertain Significance.

NM_207122.2(EXT2):c.695T>G (p.Val232Gly)

Gene: EXT2 (exostosin glycosyltransferase 2; plus strand). Cytogenetic location: 11p11.2.
Variant type: single nucleotide variant.
Coding change: c.695T>G on transcript NM_207122.2 (MANE Select); coding-DNA position 695, T replaced by G.
Protein change: p.Val232Gly; replaces valine 232 with glycine.
Molecular consequence: missense variant.
Genome position (GRCh38, 1-based): chr11:44,114,253, T>G. VCF-style: chr11-44114253-T-G. GRCh37 (hg19) VCF-style: chr11-44135803-T-G.
Other names: c.794T>G, p.Val265Gly (NM_000401.3); c.695T>G, p.Val232Gly (NM_001178083.3, NM_001389628.1, NM_001389630.1); short protein forms V265G, V232G.
Identifiers: ClinVar variation 2060031 (VCV002060031.4), dbSNP rs2134985008, ClinGen allele CA380164623.